The following is an entry in ClinVar:

NM_130799.2:c.1430_1431insALU

Gene: MEN1 (menin 1; minus strand).
Variant type: Insertion.
Identifiers: ClinVar variation 1772480 (VCV001772480.2).

ClinVar aggregate classification (germline): Pathogenic (1 of 4 stars; one submission).

Conditions:
Hereditary cancer-predisposing syndrome. Also called: Hereditary Cancer Syndrome; Hereditary neoplastic syndrome; Neoplastic Syndromes, Hereditary; Tumor predisposition. Identifiers: Orphanet 140162, MedGen C0027672, MeSH D009386, MONDO:0015356.

Submission:

Ambry Genetics
Classification: Pathogenic for Hereditary cancer-predisposing syndrome. Last evaluated: 2022-10-06. Review status: criteria provided, single submitter. Criteria: Ambry Variant Classification Scheme 2023. Collection method: clinical testing. Allele origin: germline.
Comment: The c.1430_1431insAlu pathogenic variant results from the insertion of an Alu element between nucleotides 1430 and 1431 in coding exon 9 of the MEN1 gene. Mobile element insertions contribute to pathogenicity by either disrupting the coding sequence or inducing aberrant splicing (Belancio VP et al. Semin. Cancer Biol. 2010 Aug;20:200-10; Deininger P et al. Genome Biol. 2011 Dec;12:236; van der Klift HM Hum Mutat. 2012 Jul;33(7):1051-5). Based on the supporting evidence, this alteration is interpreted as a disease-causing mutation.